The following is an entry in ClinVar:

NM_001134831.2(AHI1):c.1008A>T (p.Lys336Asn)

Gene: AHI1 (Abelson helper integration site 1; minus strand). Cytogenetic location: 6q23.3.
Variant type: single nucleotide variant.
Coding change: c.1008A>T on transcript NM_001134831.2 (MANE Select); coding-DNA position 1008, A replaced by T.
Protein change: p.Lys336Asn; replaces lysine 336 with asparagine.
Molecular consequence: missense variant.
Genome position (GRCh38, 1-based): chr6:135,457,637, T>A on the plus strand (A>T on the coding strand, the complement: AHI1 is on the minus strand). VCF-style: chr6-135457637-T-A. GRCh37 (hg19) VCF-style: chr6-135778775-T-A.
Other names: c.1008A>T, p.Lys336Asn (NM_001134830.2, NM_001134832.2, NM_001350503.2 and 2 more transcripts); short protein forms K336N.
Identifiers: ClinVar variation 2131447 (VCV002131447.4), dbSNP rs2484907126, ClinGen allele CA365747883.

ClinVar aggregate classification (germline): Uncertain significance (1 of 4 stars; one submission).

Conditions:
Joubert syndrome. Also called: CEREBELLOPARENCHYMAL DISORDER IV; JOUBERT-BOLTSHAUSER SYNDROME; Familial aplasia of the vermis. Identifiers: Orphanet 475, MedGen C5979921, MONDO:0018772.

Submission:

Labcorp Genetics (formerly Invitae), Labcorp
Classification: Uncertain significance for Joubert syndrome. Last evaluated: 2024-06-17. Review status: criteria provided, single submitter. Criteria: Invitae Variant Classification Sherloc (09022015). Collection method: clinical testing. Allele origin: germline.
Comment: This sequence change replaces lysine, which is basic and polar, with asparagine, which is neutral and polar, at codon 336 of the AHI1 protein (p.Lys336Asn). This variant is not present in population databases (gnomAD no frequency). This variant has not been reported in the literature in individuals affected with AHI1-related conditions. ClinVar contains an entry for this variant (Variation ID: 2131447). Advanced modeling of protein sequence and biophysical properties (such as structural, functional, and spatial information, amino acid conservation, physicochemical variation, residue mobility, and thermodynamic stability) performed at Invitae indicates that this missense variant is not expected to disrupt AHI1 protein function with a negative predictive value of 95%. In summary, the available evidence is currently insufficient to determine the role of this variant in disease. Therefore, it has been classified as a Variant of Uncertain Significance.